The following is an entry in ClinVar:

NM_021922.3(FANCE):c.1043T>C (p.Leu348Pro)

Gene: FANCE (FA complementation group E; plus strand). Cytogenetic location: 6p21.31.
Variant type: single nucleotide variant.
Coding change: c.1043T>C on transcript NM_021922.3 (MANE Select); coding-DNA position 1043, T replaced by C.
Protein change: p.Leu348Pro; replaces leucine 348 with proline.
Molecular consequence: missense variant.
Genome position (GRCh38, 1-based): chr6:35,458,370, T>C. VCF-style: chr6-35458370-T-C. GRCh37 (hg19) VCF-style: chr6-35426147-T-C.
Other names: c.1043T>C, p.Leu348Pro (NM_001410876.1); short protein forms L348P.
Identifiers: ClinVar variation 2791870 (VCV002791870.3), dbSNP rs1282863191, ClinGen allele CA363775179.

ClinVar aggregate classification (germline): Uncertain significance (1 of 4 stars; one submission).

Conditions:
Fanconi anemia complementation group E (FANCE). Also called: FANCE-Related Fanconi Anemia. Identifiers: Orphanet 84, MedGen C3160739, MONDO:0010953, OMIM 600901.

Allele frequency attached by ClinVar (database versions not stated): gnomAD 0.00001; gnomAD exomes 0.00001; TOPMed 0.00001.
gnomAD v4.1: 13 of 1,614,114 alleles (0.00081%); highest among the groups gnomAD compares: Non-Finnish European, 0.0011%; no homozygotes.

Submission:

Labcorp Genetics (formerly Invitae), Labcorp
Classification: Uncertain significance for Fanconi anemia complementation group E. Last evaluated: 2023-11-21. Review status: criteria provided, single submitter. Criteria: Invitae Variant Classification Sherloc (09022015). Collection method: clinical testing. Allele origin: germline.
Comment: This sequence change replaces leucine, which is neutral and non-polar, with proline, which is neutral and non-polar, at codon 348 of the FANCE protein (p.Leu348Pro). This variant is present in population databases (no rsID available, gnomAD 0.0009%). This variant has not been reported in the literature in individuals affected with FANCE-related conditions. Advanced modeling of protein sequence and biophysical properties (such as structural, functional, and spatial information, amino acid conservation, physicochemical variation, residue mobility, and thermodynamic stability) performed at Invitae indicates that this missense variant is expected to disrupt FANCE protein function with a positive predictive value of 80%. In summary, the available evidence is currently insufficient to determine the role of this variant in disease. Therefore, it has been classified as a Variant of Uncertain Significance.